The following is an entry in ClinVar:

ClinVar aggregate classification (germline): Uncertain significance (1 of 4 stars; one submission).

Conditions:
Intellectual developmental disorder, autosomal dominant 45. Also called: MENTAL RETARDATION, AUTOSOMAL DOMINANT 45; Intellectual disability, autosomal dominant 45. Identifiers: MedGen C4539848, MONDO:0030910, OMIM 617600.

Submission:

Neuberg Centre For Genomic Medicine, NCGM
Classification: Uncertain significance for Intellectual developmental disorder, autosomal dominant 45. Review status: criteria provided, single submitter. Criteria: ACMG Guidelines, 2015. Collection method: clinical testing. Allele origin: germline. Inheritance: Autosomal dominant inheritance. Affected: yes.
Comment: The missense c.5314C>Gp.Arg1772Gly variant in CIC gene has not been reported previously as a pathogenic variant nor as a benign variant, to our knowledge. The p.Arg1772Gly variant is absent in gnomAD Exomes. This variant has not been submitted to the ClinVar database. Computational evidence Polyphen - Possibly damaging, SIFT -Tolerated and MutationTaster -Disease causing predicts conflicting evidence on protein structure and function for this variant. The reference amino acid at this position in CIC is predicted as conserved by GERP++ and PhyloP across 100 vertebrates. The amino acid Arg at position 1772 is changed to a Gly changing protein sequence and it might alter its composition and physico-chemical properties. For these reasons, this variant has been classified as Variant of Uncertain Significance VUS.

NM_001386298.1(CIC):c.5314C>G (p.Arg1772Gly)

Gene: CIC (capicua transcriptional repressor; plus strand). Cytogenetic location: 19q13.2.
Variant type: single nucleotide variant.
Coding change: c.5314C>G on transcript NM_001386298.1 (MANE Select); coding-DNA position 5314, C replaced by G.
Protein change: p.Arg1772Gly; replaces arginine 1772 with glycine.
Molecular consequence: missense variant.
Genome position (GRCh38, 1-based): chr19:42,291,355, C>G. VCF-style: chr19-42291355-C-G. GRCh37 (hg19) VCF-style: chr19-42795507-C-G.
Other names: c.5314C>G, p.Arg1772Gly (NM_001304815.2, NM_001379480.1, NM_001379482.1); c.2587C>G, p.Arg863Gly (NM_001379484.1, NM_001379485.1, NM_015125.5); short protein forms R1772G, R863G.
Identifiers: ClinVar variation 3393424 (VCV003393424.1).